The following is an entry in ClinVar:

NM_000094.4(COL7A1):c.1207G>T (p.Val403Leu)

Gene: COL7A1 (collagen type VII alpha 1 chain; minus strand). Cytogenetic location: 3p21.31.
Variant type: single nucleotide variant.
Coding change: c.1207G>T on transcript NM_000094.4 (MANE Select); coding-DNA position 1207, G replaced by T.
Protein change: p.Val403Leu; replaces valine 403 with leucine.
Molecular consequence: missense variant.
Genome position (GRCh38, 1-based): chr3:48,592,135, C>A on the plus strand (G>T on the coding strand, the complement: COL7A1 is on the minus strand). VCF-style: chr3-48592135-C-A. GRCh37 (hg19) VCF-style: chr3-48629568-C-A.
Other names: short protein forms V403L.
Identifiers: ClinVar variation 2156326 (VCV002156326.4), dbSNP rs1198490093, ClinGen allele CA352737192.

ClinVar aggregate classification (germline): Uncertain significance (1 of 4 stars; one submission).

Submission:

Labcorp Genetics (formerly Invitae), Labcorp
Classification: Uncertain significance. Last evaluated: 2022-07-02. Review status: criteria provided, single submitter. Criteria: Invitae Variant Classification Sherloc (09022015). Collection method: clinical testing. Allele origin: germline.
Comment: In summary, the available evidence is currently insufficient to determine the role of this variant in disease. Therefore, it has been classified as a Variant of Uncertain Significance. Advanced modeling of protein sequence and biophysical properties (such as structural, functional, and spatial information, amino acid conservation, physicochemical variation, residue mobility, and thermodynamic stability) performed at Invitae indicates that this missense variant is not expected to disrupt COL7A1 protein function. This variant has not been reported in the literature in individuals affected with COL7A1-related conditions. This variant is not present in population databases (gnomAD no frequency). This sequence change replaces valine, which is neutral and non-polar, with leucine, which is neutral and non-polar, at codon 403 of the COL7A1 protein (p.Val403Leu).